The following is an entry in ClinVar:

ClinVar aggregate classification (germline): Conflicting classifications of pathogenicity. Review status: criteria provided, conflicting classifications (1 of 4 stars). 2 submissions from 2 submitters: Likely pathogenic (1); Uncertain significance (1). Last evaluated 2024-10-01.

Submissions (2):

GeneDx
Classification: Likely pathogenic. Last evaluated: 2024-10-01. Review status: criteria provided, single submitter. Criteria: GeneDx Variant Classification Process June 2021. Collection method: clinical testing. Allele origin: germline. Affected: yes.
Comment: Previously reported as a variant of uncertain significance in an individual with late onset Parkinson disease (PMID: 34779914); Not observed at significant frequency in large population cohorts (gnomAD); In silico analysis indicates that this missense variant does not alter protein structure/function; This variant is associated with the following publications: (PMID: 36589546, 34779914)

Blueprint Genetics
Classification: Uncertain significance. Last evaluated: 2024-04-05. Review status: criteria provided, single submitter. Criteria: ACMG Guidelines, 2015. Collection method: clinical testing. Allele origin: germline.

NM_000157.4(GBA1):c.212C>T (p.Pro71Leu)

Genes: GBA1 (glucosylceramidase beta 1; minus strand), LOC106627981 (GBA recombination region; plus strand). Cytogenetic location: 1q22.
Variant type: single nucleotide variant.
Coding change: c.212C>T on transcript NM_000157.4 (MANE Select); coding-DNA position 212, C replaced by T.
Protein change: p.Pro71Leu; replaces proline 71 with leucine.
Molecular consequence: missense variant. On other transcripts: 5 prime UTR variant (1).
Genome position (GRCh38, 1-based): chr1:155,239,981, G>A on the plus strand (C>T on the coding strand, the complement: GBA1 is on the minus strand). VCF-style: chr1-155239981-G-A. GRCh37 (hg19) VCF-style: chr1-155209772-G-A.
Other names: c.212C>T, p.Pro71Leu (NM_001005742.3, NM_001171812.2, NM_001005741.3); c.-50C>T (NM_001171811.2); short protein forms P71L.
Identifiers: ClinVar variation 2579621 (VCV002579621.3), dbSNP rs2524847096, ClinGen allele CA342727597.